The following is an entry in ClinVar:

NM_020921.4(NIN):c.4318T>C (p.Phe1440Leu)

Gene: NIN (ninein; minus strand). Cytogenetic location: 14q22.1.
Variant type: single nucleotide variant.
Coding change: c.4318T>C on transcript NM_020921.4 (MANE Select); coding-DNA position 4318, T replaced by C.
Protein change: p.Phe1440Leu; replaces phenylalanine 1440 with leucine.
Molecular consequence: missense variant. On other transcripts: intron variant (1).
Genome position (GRCh38, 1-based): chr14:50,756,712, A>G on the plus strand (T>C on the coding strand, the complement: NIN is on the minus strand). VCF-style: chr14-50756712-A-G. GRCh37 (hg19) VCF-style: chr14-51223430-A-G.
Other names: c.4318T>C, p.Phe1440Leu (NM_182944.3, NM_182946.2); c.2400-1845T>C (NM_016350.5); short protein forms F1440L.
Identifiers: ClinVar variation 2729031 (VCV002729031.3), dbSNP rs2505798478, ClinGen allele CA389693254.

ClinVar aggregate classification (germline): Uncertain significance (1 of 4 stars; one submission).

Allele frequency attached by ClinVar (database versions not stated): gnomAD exomes below 0.00001.
gnomAD v4.1: 1 of 1,551,634 alleles (0.000064%); highest among the groups gnomAD compares: Non-Finnish European, 0.000087%; no homozygotes.

Submission:

Labcorp Genetics (formerly Invitae), Labcorp
Classification: Uncertain significance. Last evaluated: 2023-06-25. Review status: criteria provided, single submitter. Criteria: Invitae Variant Classification Sherloc (09022015). Collection method: clinical testing. Allele origin: germline.
Comment: In summary, the available evidence is currently insufficient to determine the role of this variant in disease. Therefore, it has been classified as a Variant of Uncertain Significance. Algorithms developed to predict the effect of missense changes on protein structure and function output the following: SIFT: "Not Available"; PolyPhen-2: "Benign"; Align-GVGD: "Not Available". The leucine amino acid residue is found in multiple mammalian species, which suggests that this missense change does not adversely affect protein function. This variant has not been reported in the literature in individuals affected with NIN-related conditions. This variant is not present in population databases (gnomAD no frequency). This sequence change replaces phenylalanine, which is neutral and non-polar, with leucine, which is neutral and non-polar, at codon 1440 of the NIN protein (p.Phe1440Leu).